The following is an entry in ClinVar:

ClinVar aggregate classification (germline): Benign (1 of 4 stars; one submission).

Allele frequency attached by ClinVar (database versions not stated): 1000 Genomes Project 0.03415; 1000 Genomes Project 30x 0.03467; TOPMed 0.05274; gnomAD 0.05734 and 0.05803.
gnomAD v4.1: 8,693 of 152,170 alleles (5.7%); highest among the groups gnomAD compares: Non-Finnish European, 8.3%; 318 homozygotes.

Submission:

GeneDx
Classification: Benign. Last evaluated: 2018-06-19. Review status: criteria provided, single submitter. Criteria: GeneDx Variant Classification (06012015). Collection method: clinical testing. Allele origin: germline. Affected: yes.
Comment: This variant is considered likely benign or benign based on one or more of the following criteria: it is a conservative change, it occurs at a poorly conserved position in the protein, it is predicted to be benign by multiple in silico algorithms, and/or has population frequency not consistent with disease.

NM_001128159.3(VPS53):c.1116+296C>A

Gene: VPS53 (VPS53 subunit of GARP complex; minus strand). Cytogenetic location: 17p13.3.
Variant type: single nucleotide variant.
Coding change: c.1116+296C>A on transcript NM_001128159.3 (MANE Select); 296 bases into the intron after coding-DNA position 1116, C replaced by A.
Molecular consequence: intron variant.
Genome position (GRCh38, 1-based): chr17:623,237, G>T on the plus strand (C>A on the coding strand, the complement: VPS53 is on the minus strand). VCF-style: chr17-623237-G-T. GRCh37 (hg19) VCF-style: chr17-526477-G-T.
Other names: c.1029+296C>A (NM_018289.4); c.1116+296C>A (NM_001366253.2); c.522+296C>A (NM_001366254.2).
Identifiers: ClinVar variation 671877 (VCV000671877.1), dbSNP rs62056505, ClinGen allele CA15905718.
Genomic context (GRCh38, chr17:623,237, plus strand): 5'-ACCCTAAAGTAAAAACATATCCTAATTGTAACCAAATCTGATAACTGATAAAGAAATAAG[G>T]TATTTGTGACTGAGTAAGGCCTCTGACTCACAAAATTACTAGTCTGTAAAATGGGATCAA-3'